The following is an entry in ClinVar:

ClinVar aggregate classification (germline): Uncertain significance. Review status: criteria provided, multiple submitters, no conflicts (2 of 4 stars). 2 submissions from 2 submitters: Uncertain significance (2). Last evaluated 2025-10-27.

Conditions:
Joubert syndrome. Also called: JOUBERT-BOLTSHAUSER SYNDROME; Familial aplasia of the vermis. Identifiers: Orphanet 475, MedGen C5979921, MONDO:0018772.
Joubert syndrome 1 (JBTS1). Also called: Cerebellooculorenal syndrome 1; CEREBELLOPARENCHYMAL DISORDER IV. Identifiers: MedGen C4551568, MONDO:0008944, OMIM 213300.

Submissions (2):

Dasa
Classification: Uncertain significance for Joubert syndrome 1. Last evaluated: 2025-10-27. Review status: criteria provided, single submitter. Criteria: DASA Assertion Criteria. Collection method: clinical testing. Allele origin: germline.
Comment: NM_019892.6(INPP5E):c.26G>T (p.Arg9Leu) is a missense variant that results in the substitution of arginine with leucine. This variant is rare in population databases. The currently available literature and clinical evidence are not sufficient to establish a definitive association between this variant and the reported condition. Therefore, this variant is classified as a variant of uncertain significance.

Labcorp Genetics (formerly Invitae), Labcorp
Classification: Uncertain significance for Joubert syndrome. Last evaluated: 2024-10-15. Review status: criteria provided, single submitter. Criteria: Invitae Variant Classification Sherloc (09022015). Collection method: clinical testing. Allele origin: germline.
Comment: This sequence change replaces arginine, which is basic and polar, with leucine, which is neutral and non-polar, at codon 9 of the INPP5E protein (p.Arg9Leu). This variant is not present in population databases (gnomAD no frequency). This variant has not been reported in the literature in individuals affected with INPP5E-related conditions. ClinVar contains an entry for this variant (Variation ID: 2093655). Invitae Evidence Modeling of protein sequence and biophysical properties (such as structural, functional, and spatial information, amino acid conservation, physicochemical variation, residue mobility, and thermodynamic stability) indicates that this missense variant is not expected to disrupt INPP5E protein function with a negative predictive value of 95%. In summary, the available evidence is currently insufficient to determine the role of this variant in disease. Therefore, it has been classified as a Variant of Uncertain Significance.

NM_019892.6(INPP5E):c.26G>T (p.Arg9Leu)

Gene: INPP5E (inositol polyphosphate-5-phosphatase E; minus strand). Cytogenetic location: 9q34.3.
Variant type: single nucleotide variant.
Coding change: c.26G>T on transcript NM_019892.6 (MANE Select); coding-DNA position 26, G replaced by T.
Protein change: p.Arg9Leu; replaces arginine 9 with leucine.
Molecular consequence: missense variant.
Genome position (GRCh38, 1-based): chr9:136,439,394, C>A on the plus strand (G>T on the coding strand, the complement: INPP5E is on the minus strand). VCF-style: chr9-136439394-C-A. GRCh37 (hg19) VCF-style: chr9-139333846-C-A.
Other names: c.26G>T, p.Arg9Leu (NM_001318502.2); short protein forms R9L.
Identifiers: ClinVar variation 2093655 (VCV002093655.6), dbSNP rs978149444, ClinGen allele CA375571992.